The following is an entry in ClinVar:

NM_001042492.3(NF1):c.2012C>G (p.Ala671Gly)

Gene: NF1 (neurofibromin 1; plus strand). Cytogenetic location: 17q11.2.
Variant type: single nucleotide variant.
Coding change: c.2012C>G on transcript NM_001042492.3 (MANE Select); coding-DNA position 2012, C replaced by G.
Protein change: p.Ala671Gly; replaces alanine 671 with glycine.
Molecular consequence: missense variant.
Genome position (GRCh38, 1-based): chr17:31,226,445, C>G. VCF-style: chr17-31226445-C-G. GRCh37 (hg19) VCF-style: chr17-29553463-C-G.
Other names: c.2012C>G, p.Ala671Gly (NM_000267.4); short protein forms A671G.
Identifiers: ClinVar variation 485952 (VCV000485952.13), dbSNP rs760900648, ClinGen allele CA8485908.

ClinVar aggregate classification (germline): Conflicting classifications of pathogenicity. Review status: criteria provided, conflicting classifications (1 of 4 stars). 4 submissions from 4 submitters: Uncertain significance (3); Likely benign (1). Last evaluated 2025-03-21.

Conditions:
Hereditary cancer-predisposing syndrome. Also called: Tumor predisposition; Neoplastic Syndromes, Hereditary; Hereditary Cancer Syndrome; Hereditary neoplastic syndrome. Identifiers: Orphanet 140162, MedGen C0027672, MeSH D009386, MONDO:0015356.
Cardiovascular phenotype. Identifiers: MedGen CN230736.
Juvenile myelomonocytic leukemia (JMML). Also called: LEUKEMIA, JUVENILE MYELOMONOCYTIC, SOMATIC. Identifiers: Orphanet 86834, MedGen C0349639, MONDO:0011908, OMIM 607785, HP:0012209.
Neurofibromatosis, type 1 (NF1). Also called: NEUROFIBROMATOSIS, TYPE I, SOMATIC; VON RECKLINGHAUSEN DISEASE; Neurofibromatosis, type I; Peripheral type neurofibromatosis. Identifiers: Orphanet 636, MedGen C0027831, MONDO:0018975, OMIM 162200. Disease mechanism: loss of function.

Allele frequency attached by ClinVar (database versions not stated): gnomAD exomes below 0.00001 and 0.00001; ExAC 0.00001.
gnomAD v4.1: 4 of 1,613,478 alleles (0.00025%); highest among the groups gnomAD compares: Non-Finnish European, 0.00034%; no homozygotes.

Submissions (4):

Ambry Genetics
Classification: Likely benign for Cardiovascular phenotype; Hereditary cancer-predisposing syndrome. Last evaluated: 2025-03-21. Review status: criteria provided, single submitter. Criteria: Ambry Variant Classification Scheme 2023. Collection method: clinical testing. Allele origin: germline.

Labcorp Genetics (formerly Invitae), Labcorp
Classification: Uncertain significance for Neurofibromatosis, type 1. Last evaluated: 2024-07-01. Review status: criteria provided, single submitter. Criteria: Invitae Variant Classification Sherloc (09022015). Collection method: clinical testing. Allele origin: germline.
Comment: This sequence change replaces alanine, which is neutral and non-polar, with glycine, which is neutral and non-polar, at codon 671 of the NF1 protein (p.Ala671Gly). This variant is present in population databases (rs760900648, gnomAD 0.0009%). This variant has not been reported in the literature in individuals affected with NF1-related conditions. ClinVar contains an entry for this variant (Variation ID: 485952). Advanced modeling of protein sequence and biophysical properties (such as structural, functional, and spatial information, amino acid conservation, physicochemical variation, residue mobility, and thermodynamic stability) performed at Invitae indicates that this missense variant is not expected to disrupt NF1 protein function with a negative predictive value of 95%. In summary, the available evidence is currently insufficient to determine the role of this variant in disease. Therefore, it has been classified as a Variant of Uncertain Significance.

Baylor Genetics
Classification: Uncertain significance for Juvenile myelomonocytic leukemia. Last evaluated: 2023-05-16. Review status: criteria provided, single submitter. Criteria: ACMG Guidelines, 2015. Collection method: clinical testing. Allele origin: unknown.

Sema4
Classification: Uncertain significance for Hereditary cancer-predisposing syndrome. Last evaluated: 2021-10-14. Review status: criteria provided, single submitter. Criteria: Sema4 Curation Guidelines. Collection method: curation. Allele origin: germline.
Comment: The NF1 c.2012C>G (p.A671G) variant has not been reported in the literature to our knowledge. It was observed in 1/112884 chromosomes of the Non-Finnish European subpopulation in the large and broad cohorts of the Genome Aggregation Database (PMID: 32461654). The variant has been reported in ClinVar (Variation ID: 485952). Functional studies have not been performed, and in silico predictions of the variant's effect on protein function are inconclusive. The evidence is insufficient to meet ACMG/AMP criteria for classifying the variant as benign or pathogenic. Thus, the clinical significance of this variant is currently uncertain.